The following is an entry in ClinVar:

NM_002582.4(PARN):c.1858C>T (p.Pro620Ser)

Gene: PARN (poly(A)-specific ribonuclease; minus strand). Cytogenetic location: 16p13.12.
Variant type: single nucleotide variant.
Coding change: c.1858C>T on transcript NM_002582.4 (MANE Select); coding-DNA position 1858, C replaced by T.
Protein change: p.Pro620Ser; replaces proline 620 with serine.
Molecular consequence: missense variant.
Genome position (GRCh38, 1-based): chr16:14,446,894, G>A on the plus strand (C>T on the coding strand, the complement: PARN is on the minus strand). VCF-style: chr16-14446894-G-A. GRCh37 (hg19) VCF-style: chr16-14540751-G-A.
Other names: c.1675C>T, p.Pro559Ser (NM_001134477.3); c.1720C>T, p.Pro574Ser (NM_001242992.2); short protein forms P620S, P559S, P574S.
Identifiers: ClinVar variation 1895895 (VCV001895895.5), dbSNP rs1035446181, ClinGen allele CA278950339.

ClinVar aggregate classification (germline): Uncertain significance (1 of 4 stars; one submission).

Conditions:
Pulmonary fibrosis and/or bone marrow failure, Telomere-related, 4. Also called: PULMONARY FIBROSIS AND/OR BONE MARROW FAILURE SYNDROME, TELOMERE-RELATED, 4. Identifiers: Orphanet 2032, MedGen C4225347, MONDO:0014612, OMIM 616371.
Dyskeratosis congenita, autosomal recessive 6 (DKCB6). Identifiers: MedGen C4225356, MONDO:0014600, OMIM 616353.

gnomAD v4.1: 1 of 1,611,782 alleles (0.000062%); highest among the groups gnomAD compares: African/African-American, 0.0013%; no homozygotes.

Submission:

Labcorp Genetics (formerly Invitae), Labcorp
Classification: Uncertain significance for Dyskeratosis congenita, autosomal recessive 6; Pulmonary fibrosis and/or bone marrow failure, Telomere-related, 4. Last evaluated: 2022-02-18. Review status: criteria provided, single submitter. Criteria: Invitae Variant Classification Sherloc (09022015). Collection method: clinical testing. Allele origin: germline.
Comment: In summary, the available evidence is currently insufficient to determine the role of this variant in disease. Therefore, it has been classified as a Variant of Uncertain Significance. Algorithms developed to predict the effect of missense changes on protein structure and function output the following: SIFT: "Tolerated"; PolyPhen-2: "Benign"; Align-GVGD: "Class C0". The serine amino acid residue is found in multiple mammalian species, which suggests that this missense change does not adversely affect protein function. This variant has not been reported in the literature in individuals affected with PARN-related conditions. This variant is not present in population databases (gnomAD no frequency). This sequence change replaces proline, which is neutral and non-polar, with serine, which is neutral and polar, at codon 620 of the PARN protein (p.Pro620Ser).